The following is an entry in ClinVar:

ClinVar aggregate classification (germline): Uncertain significance (1 of 4 stars; one submission).

Allele frequency attached by ClinVar (database versions not stated): ExAC 0.00001; 1000 Genomes Project 30x 0.00016; 1000 Genomes Project 0.00020.
gnomAD v4.1: 2 of 1,614,224 alleles (0.00012%); highest among the groups gnomAD compares: Admixed American, 0.0033%; no homozygotes.

Submission:

Labcorp Genetics (formerly Invitae), Labcorp
Classification: Uncertain significance. Last evaluated: 2022-05-21. Review status: criteria provided, single submitter. Criteria: Invitae Variant Classification Sherloc (09022015). Collection method: clinical testing. Allele origin: germline.
Comment: Algorithms developed to predict the effect of missense changes on protein structure and function are either unavailable or do not agree on the potential impact of this missense change (SIFT: "Deleterious"; PolyPhen-2: "Benign"; Align-GVGD: "Class C0"). This variant has not been reported in the literature in individuals affected with NACC1-related conditions. This variant is present in population databases (rs535428331, gnomAD 0.003%). This sequence change replaces threonine, which is neutral and polar, with proline, which is neutral and non-polar, at codon 490 of the NACC1 protein (p.Thr490Pro). In summary, the available evidence is currently insufficient to determine the role of this variant in disease. Therefore, it has been classified as a Variant of Uncertain Significance.

NM_052876.4(NACC1):c.1468A>C (p.Thr490Pro)

Gene: NACC1 (nucleus accumbens associated 1; plus strand). Cytogenetic location: 19p13.13.
Variant type: single nucleotide variant.
Coding change: c.1468A>C on transcript NM_052876.4 (MANE Select); coding-DNA position 1468, A replaced by C.
Protein change: p.Thr490Pro; replaces threonine 490 with proline.
Molecular consequence: missense variant.
Genome position (GRCh38, 1-based): chr19:13,138,290, A>C. VCF-style: chr19-13138290-A-C. GRCh37 (hg19) VCF-style: chr19-13249104-A-C.
Other names: short protein forms T490P.
Identifiers: ClinVar variation 2160824 (VCV002160824.4), dbSNP rs535428331, ClinGen allele CA9238534.